The following is an entry in ClinVar:

NM_000179.3(MSH6):c.1549del (p.Ile517fs)

Gene: MSH6 (mutS homolog 6; plus strand). Cytogenetic location: 2p16.3.
Variant type: Deletion.
Coding change: c.1549del on transcript NM_000179.3 (MANE Select); coding-DNA position 1549, one base deleted (A; older notation c.1549delA).
Protein change: p.Ile517fs; shifts the reading frame from isoleucine 517.
Molecular consequence: frameshift variant.
Genome position (GRCh38, 1-based): chr2:47,799,532, A deleted. VCF-style (leftmost placement, unchanged base first): chr2-47799531-CA-C. GRCh37 (hg19) VCF-style: chr2-48026670-CA-C.
Other names: c.1159del, p.Ile387fs (NM_001281492.2); c.643del, p.Ile215fs (NM_001281493.2, NM_001281494.2); c.1645delA, p.Ile549Leufs (NM_001406795.1, NM_001406802.1); c.1549delA, p.Ile517Leufs (NM_001406796.1, NM_001406798.1, NM_001406800.1 and 4 more transcripts); c.1252delA, p.Ile418Leufs (NM_001406797.1, NM_001406801.1, NM_001406805.1 and 10 more transcripts); c.1024delA, p.Ile342Leufs (NM_001406799.1, NM_001406806.1, NM_001406807.1); c.1471delA, p.Ile491Leufs (NM_001406804.1); c.643delA, p.Ile215Leufs (NM_001406811.1, NM_001406812.1, NM_001406814.1 and 4 more transcripts); and 2 more; short protein forms I215fs, I387fs, I517fs.
Identifiers: ClinVar variation 1774995 (VCV001774995.2), dbSNP rs2530615551, ClinGen allele CA2580067641.

ClinVar aggregate classification (germline): Pathogenic (1 of 4 stars; one submission).

Conditions:
Hereditary cancer-predisposing syndrome. Also called: Hereditary Cancer Syndrome; Hereditary neoplastic syndrome; Neoplastic Syndromes, Hereditary; Tumor predisposition. Identifiers: Orphanet 140162, MedGen C0027672, MeSH D009386, MONDO:0015356.

Submission:

Ambry Genetics
Classification: Pathogenic for Hereditary cancer-predisposing syndrome. Last evaluated: 2021-05-12. Review status: criteria provided, single submitter. Criteria: Ambry Variant Classification Scheme 2023. Collection method: clinical testing. Allele origin: germline.
Comment: The c.1549delA pathogenic mutation, located in coding exon 4 of the MSH6 gene, results from a deletion of one nucleotide at nucleotide position 1549, causing a translational frameshift with a predicted alternate stop codon (p.I517Lfs*54). This alteration is expected to result in loss of function by premature protein truncation or nonsense-mediated mRNA decay. As such, this alteration is interpreted as a disease-causing mutation.